The following is an entry in ClinVar:

NC_000002.12:g.(?_32136543)_(32147278_?)del

Gene: SPAST (spastin; plus strand). Cytogenetic location: 2p22.3.
Variant type: Deletion.
Identifiers: ClinVar variation 584125 (VCV000584125.4).

ClinVar aggregate classification (germline): Pathogenic (1 of 4 stars; one submission).

Conditions:
Hereditary spastic paraplegia 4. Also called: Familial spastic paraplegia autosomal dominant 2; Spastic paraplegia 4, autosomal dominant; Spastic Paraplegia 4. Identifiers: Orphanet 100985, MedGen C1866855, MONDO:0008438, OMIM 182601.

Submission:

Labcorp Genetics (formerly Invitae), Labcorp
Classification: Pathogenic for Hereditary spastic paraplegia 4. Last evaluated: 2023-12-04. Review status: criteria provided, single submitter. Criteria: Invitae Variant Classification Sherloc (09022015). Collection method: clinical testing. Allele origin: germline.
Comment: This variant is a gross deletion of the genomic region encompassing exon(s) 10-16 of the SPAST gene. This variant would be expected to be in-frame, preserving the integrity of the reading frame. A similar copy number variant has been observed in individuals with hereditary spastic paraplegia (PMID: 17098887, 25065914, 25454648). This variant disrupts the p.Leu426 amino acid residue in SPAST. Other variant(s) that disrupt this residue have been determined to be pathogenic (PMID: 10699187, 11809724, 11843700, 15841487, 20718791, 20932283, 22960362). This suggests that this residue is clinically significant, and that variants that disrupt this residue are likely to be disease-causing. For these reasons, this variant has been classified as Pathogenic.

Literature cited by the submitters: PubMed 17098887; PubMed 25065914; PubMed 25454648; PubMed 10699187; PubMed 11809724; PubMed 11843700; PubMed 15841487; PubMed 20718791; PubMed 20932283; PubMed 22960362.